The following is an entry in ClinVar:

ClinVar aggregate classification (germline): Uncertain significance (1 of 4 stars; one submission).

Allele frequency attached by ClinVar (database versions not stated): TOPMed below 0.00001.

Submission:

Labcorp Genetics (formerly Invitae), Labcorp
Classification: Uncertain significance. Last evaluated: 2021-08-02. Review status: criteria provided, single submitter. Criteria: Invitae Variant Classification Sherloc (09022015). Collection method: clinical testing. Allele origin: germline.
Comment: This sequence change replaces glycine with glutamic acid at codon 411 of the MCM3AP protein (p.Gly411Glu). The glycine residue is moderately conserved and there is a moderate physicochemical difference between glycine and glutamic acid. This variant is not present in population databases (ExAC no frequency). This variant has not been reported in the literature in individuals affected with MCM3AP-related conditions. Algorithms developed to predict the effect of missense changes on protein structure and function are either unavailable or do not agree on the potential impact of this missense change (SIFT: "Tolerated"; PolyPhen-2: "Probably Damaging"; Align-GVGD: "Class C0"). In summary, the available evidence is currently insufficient to determine the role of this variant in disease. Therefore, it has been classified as a Variant of Uncertain Significance.

NM_003906.5(MCM3AP):c.1232G>A (p.Gly411Glu)

Gene: MCM3AP (minichromosome maintenance complex component 3 associated protein; minus strand). Cytogenetic location: 21q22.3.
Variant type: single nucleotide variant.
Coding change: c.1232G>A on transcript NM_003906.5 (MANE Select); coding-DNA position 1232, G replaced by A.
Protein change: p.Gly411Glu; replaces glycine 411 with glutamic acid.
Molecular consequence: missense variant.
Genome position (GRCh38, 1-based): chr21:46,283,826, C>T on the plus strand (G>A on the coding strand, the complement: MCM3AP is on the minus strand). VCF-style: chr21-46283826-C-T. GRCh37 (hg19) VCF-style: chr21-47703740-C-T.
Other names: short protein forms G411E.
Identifiers: ClinVar variation 1490026 (VCV001490026.6), dbSNP rs2081364230, ClinGen allele CA410532163.
Genomic context (GRCh38, chr21:46,283,826, plus strand): 5'-GGAGACAAGCCCCCAAGACTGTCTGTGCTCTCGCTTCTGTTACTCTGACGCGCCGGAGTT[C>T]CTCTTAGAGAATCTAGGGGTTCAGAGAATGGACACTTAAACCATCAGATGTTTCCAACAA-3'
Protein context (NP_003897.2, residues 401-421): SREKKEDSLR[Gly411Glu]TPARQSNRSE